The following is an entry in ClinVar:

ClinVar aggregate classification (germline): Uncertain significance (1 of 4 stars; one submission).

Submission:

Labcorp Genetics (formerly Invitae), Labcorp
Classification: Uncertain significance. Last evaluated: 2022-10-08. Review status: criteria provided, single submitter. Criteria: Invitae Variant Classification Sherloc (09022015). Collection method: clinical testing. Allele origin: germline.
Comment: In summary, the available evidence is currently insufficient to determine the role of this variant in disease. Therefore, it has been classified as a Variant of Uncertain Significance. Algorithms developed to predict the effect of sequence changes on RNA splicing suggest that this variant may create or strengthen a splice site. Advanced modeling of protein sequence and biophysical properties (such as structural, functional, and spatial information, amino acid conservation, physicochemical variation, residue mobility, and thermodynamic stability) performed at Invitae indicates that this missense variant is not expected to disrupt EMC1 protein function. This variant has not been reported in the literature in individuals affected with EMC1-related conditions. This variant is not present in population databases (gnomAD no frequency). This sequence change replaces lysine, which is basic and polar, with arginine, which is basic and polar, at codon 53 of the EMC1 protein (p.Lys53Arg).

NM_015047.3(EMC1):c.158A>G (p.Lys53Arg)

Gene: EMC1 (ER membrane protein complex subunit 1; minus strand). Cytogenetic location: 1p36.13.
Variant type: single nucleotide variant.
Coding change: c.158A>G on transcript NM_015047.3 (MANE Select); coding-DNA position 158, A replaced by G.
Protein change: p.Lys53Arg; replaces lysine 53 with arginine.
Molecular consequence: missense variant.
Genome position (GRCh38, 1-based): chr1:19,244,968, T>C on the plus strand (A>G on the coding strand, the complement: EMC1 is on the minus strand). VCF-style: chr1-19244968-T-C. GRCh37 (hg19) VCF-style: chr1-19571462-T-C.
Other names: c.158A>G, p.Lys53Arg (NM_001271427.2, NM_001271428.2, NM_001271429.2 and 2 more transcripts); short protein forms K53R.
Identifiers: ClinVar variation 1721216 (VCV001721216.5), dbSNP rs2536814684, ClinGen allele CA338773923.